The following is an entry in ClinVar:

ClinVar aggregate classification (germline): Uncertain significance. Review status: criteria provided, multiple submitters, no conflicts (2 of 4 stars). 3 submissions from 3 submitters: Uncertain significance (2). 1 of the submissions does not count toward it. Last evaluated 2025-06-10.

Conditions:
FOCAD-related disorder. Also called: FOCAD-related condition.
Inborn genetic diseases. Identifiers: MedGen C0950123, MeSH D030342.

Allele frequency attached by ClinVar (database versions not stated): gnomAD exomes 0.00002; ESP Exome Variant Server 0.00008; 1000 Genomes Project 0.00040; TOPMed 0.00040; 1000 Genomes Project 30x 0.00047; ExAC 0.00009; gnomAD 0.00037.
gnomAD v4.1: 84 of 1,614,050 alleles (0.0052%); highest among the groups gnomAD compares: African/African-American, 0.11%; no homozygotes.

Submissions (3):

Labcorp Genetics (formerly Invitae), Labcorp
Classification: Uncertain significance. Last evaluated: 2025-06-10. Review status: criteria provided, single submitter. Criteria: Invitae Variant Classification Sherloc (09022015). Collection method: clinical testing. Allele origin: germline.
Comment: This sequence change replaces serine, which is neutral and polar, with threonine, which is neutral and polar, at codon 1508 of the FOCAD protein (p.Ser1508Thr). This variant is present in population databases (rs137979880, gnomAD 0.1%), and has an allele count higher than expected for a pathogenic variant. This variant has not been reported in the literature in individuals affected with FOCAD-related conditions. ClinVar contains an entry for this variant (Variation ID: 2345833). Experimental studies and prediction algorithms are not available or were not evaluated, and the functional significance of this variant is currently unknown. In summary, the available evidence is currently insufficient to determine the role of this variant in disease. Therefore, it has been classified as a Variant of Uncertain Significance.

Ambry Genetics
Classification: Uncertain significance for Inborn genetic diseases. Last evaluated: 2021-10-22. Review status: criteria provided, single submitter. Criteria: Ambry Variant Classification Scheme 2023. Collection method: clinical testing. Allele origin: germline.

PreventionGenetics, part of Exact Sciences
Classification: Uncertain significance for FOCAD-related condition. Last evaluated: 2024-03-08. Review status: no assertion criteria provided. Collection method: clinical testing. Allele origin: germline. Not counted in ClinVar's aggregate classification.
Comment: The FOCAD c.4523G>C variant is predicted to result in the amino acid substitution p.Ser1508Thr. To our knowledge, this variant has not been reported in the literature. This variant is reported in 0.096% of alleles in individuals of African descent in gnomAD. Although we suspect that this variant may be benign, at this time, the clinical significance of this variant is uncertain due to the absence of conclusive functional and genetic evidence.

NM_001375567.1(FOCAD):c.4523G>C (p.Ser1508Thr)

Gene: FOCAD (focadhesin; plus strand). Cytogenetic location: 9p21.3.
Variant type: single nucleotide variant.
Coding change: c.4523G>C on transcript NM_001375567.1 (MANE Select); coding-DNA position 4523, G replaced by C.
Protein change: p.Ser1508Thr; replaces serine 1508 with threonine.
Molecular consequence: missense variant.
Genome position (GRCh38, 1-based): chr9:20,981,571, G>C. VCF-style: chr9-20981571-G-C. GRCh37 (hg19) VCF-style: chr9-20981570-G-C.
Other names: c.4523G>C (NM_017794.4); c.4418G>C, p.Ser1473Thr (NM_001375568.1, NM_001375570.1); c.4523G>C, p.Ser1508Thr (NM_017794.5); short protein forms S1473T, S1508T.
Identifiers: ClinVar variation 2345833 (VCV002345833.5), dbSNP rs137979880, ClinGen allele CA5007960.
Genomic context (GRCh38, chr9:20,981,571, plus strand): 5'-ATTTAATGGTGGCAGTTTTTAAAGCAGCTTCCCCACTTGGAAGTCCTGAGCTATGCCCAA[G>C]TGCTTTACACGGTCTGAGCCAGGCCATGAAACTGCCCAGCCCTGCCCACCACCTCTGGAG-3'
Protein context (NP_001362496.1, residues 1498-1518): SPLGSPELCP[Ser1508Thr]ALHGLSQAMK